The following is an entry in ClinVar:

NM_000158.4(GBE1):c.691+1G>A

Gene: GBE1 (1,4-alpha-glucan branching enzyme 1; minus strand). Cytogenetic location: 3p12.2.
Variant type: single nucleotide variant.
Coding change: c.691+1G>A on transcript NM_000158.4 (MANE Select); the canonical splice donor site of the intron after coding-DNA position 691, G replaced by A.
Molecular consequence: splice donor variant.
Genome position (GRCh38, 1-based): chr3:81,648,855, C>T on the plus strand (G>A on the coding strand, the complement: GBE1 is on the minus strand). VCF-style: chr3-81648855-C-T. GRCh37 (hg19) VCF-style: chr3-81698006-C-T.
Identifiers: ClinVar variation 2028027 (VCV002028027.5), dbSNP rs2471826054, ClinGen allele CA353688212.

ClinVar aggregate classification (germline): Pathogenic/Likely pathogenic. Review status: criteria provided, multiple submitters, no conflicts (2 of 4 stars). 2 submissions from 2 submitters: Pathogenic (1); Likely pathogenic (1). Last evaluated 2024-02-24.

Conditions:
Glycogen storage disease IV, classic hepatic. Also called: GSD IV, CLASSIC HEPATIC. Identifiers: MedGen C1856301.
Glycogen storage disease, type IV (GSD4). Also called: BRANCHER DEFICIENCY; AMYLOPECTINOSIS; ANDERSEN DISEASE; CIRRHOSIS, FAMILIAL, WITH DEPOSITION OF ABNORMAL GLYCOGEN; Glycogen storage disease due to glycogen branching enzyme deficiency; GBE1 DEFICIENCY. Identifiers: Orphanet 367, MedGen C0017923, MONDO:0009292, OMIM 232500.

Allele frequency attached by ClinVar (database versions not stated): gnomAD exomes below 0.00001.
gnomAD v4.1: 1 of 1,500,706 alleles (0.000067%); highest among the groups gnomAD compares: Non-Finnish European, 0.000089%; no homozygotes.

Submissions (2):

Baylor Genetics
Classification: Likely pathogenic for Glycogen storage disease, type IV. Last evaluated: 2024-02-24. Review status: criteria provided, single submitter. Criteria: ACMG Guidelines, 2015. Collection method: clinical testing. Allele origin: unknown.

Labcorp Genetics (formerly Invitae), Labcorp
Classification: Pathogenic for Glycogen storage disease, type IV; Glycogen storage disease IV, classic hepatic. Last evaluated: 2022-08-31. Review status: criteria provided, single submitter. Criteria: Invitae Variant Classification Sherloc (09022015). Collection method: clinical testing. Allele origin: germline.
Comment: Disruption of this splice site has been observed in individual(s) with glycogen storage disease (PMID: 23218673). In at least one individual the data is consistent with being in trans (on the opposite chromosome) from a pathogenic variant. It has also been observed to segregate with disease in related individuals. This variant is not present in population databases (gnomAD no frequency). This sequence change affects a donor splice site in intron 5 of the GBE1 gene. It is expected to disrupt RNA splicing. Variants that disrupt the donor or acceptor splice site typically lead to a loss of protein function (PMID: 16199547), and loss-of-function variants in GBE1 are known to be pathogenic (PMID: 15452297, 20058079). Algorithms developed to predict the effect of sequence changes on RNA splicing suggest that this variant may disrupt the consensus splice site. For these reasons, this variant has been classified as Pathogenic.

Literature cited by the submitters: PubMed 23218673 (cited by Labcorp Genetics (formerly Invitae), Labcorp); PubMed 16199547 (cited by Labcorp Genetics (formerly Invitae), Labcorp); PubMed 15452297 (cited by Labcorp Genetics (formerly Invitae), Labcorp); PubMed 20058079 (cited by Labcorp Genetics (formerly Invitae), Labcorp).